The following is an entry in ClinVar:

NM_152383.5(DIS3L2):c.2496+5G>T

Gene: DIS3L2 (DIS3 like 3'-5' exoribonuclease 2; plus strand). Cytogenetic location: 2q37.1.
Variant type: single nucleotide variant.
Coding change: c.2496+5G>T on transcript NM_152383.5 (MANE Select); 5 bases into the intron after coding-DNA position 2496, G replaced by T.
Molecular consequence: intron variant. On other transcripts: non-coding transcript variant (1).
Genome position (GRCh38, 1-based): chr2:232,335,879, G>T. VCF-style: chr2-232335879-G-T. GRCh37 (hg19) VCF-style: chr2-233200589-G-T.
Other names: c.1582-7466G>T (NM_001257281.2).
Identifiers: ClinVar variation 859705 (VCV000859705.7), dbSNP rs1695927553, ClinGen allele CA916081402.
Genomic context (GRCh38, chr2:232,335,879, plus strand): 5'-CGGAACTCACGCTGGTCTGGGAGCCTGAGGACATGGAGCAGGAGCCAGCACAGCAGGTCA[G>T]AACCCCTCTGTGTCCCAGCCCCCTAAGTCCTGATGACCCCTCTCCTGCCTCCTGCGGTGC-3'

ClinVar aggregate classification (germline): Uncertain significance (1 of 4 stars; one submission).

Conditions:
Perlman syndrome (PRLMNS). Identifiers: Orphanet 2849, MedGen C0796113, MONDO:0009965, OMIM 267000.

Submission:

Labcorp Genetics (formerly Invitae), Labcorp
Classification: Uncertain significance for Perlman syndrome. Last evaluated: 2023-09-05. Review status: criteria provided, single submitter. Criteria: Invitae Variant Classification Sherloc (09022015). Collection method: clinical testing. Allele origin: germline.
Comment: In summary, the available evidence is currently insufficient to determine the role of this variant in disease. Therefore, it has been classified as a Variant of Uncertain Significance. Variants that disrupt the consensus splice site are a relatively common cause of aberrant splicing (PMID: 17576681, 9536098). Algorithms developed to predict the effect of sequence changes on RNA splicing suggest that this variant is not likely to affect RNA splicing. ClinVar contains an entry for this variant (Variation ID: 859705). This variant has not been reported in the literature in individuals affected with DIS3L2-related conditions. This variant is not present in population databases (gnomAD no frequency). This sequence change falls in intron 20 of the DIS3L2 gene. It does not directly change the encoded amino acid sequence of the DIS3L2 protein. It affects a nucleotide within the consensus splice site.

Literature cited by the submitters: PubMed 17576681; PubMed 9536098.